The following is an entry in ClinVar:

ClinVar aggregate classification (germline): Uncertain significance (1 of 4 stars; one submission).

Conditions:
Neurofibromatosis, type 1 (NF1). Also called: VON RECKLINGHAUSEN DISEASE; Peripheral type neurofibromatosis; NEUROFIBROMATOSIS, TYPE I, SOMATIC; Neurofibromatosis, type I. Identifiers: Orphanet 636, MedGen C0027831, MONDO:0018975, OMIM 162200. Disease mechanism: loss of function.

Submission:

Labcorp Genetics (formerly Invitae), Labcorp
Classification: Uncertain significance for Neurofibromatosis, type 1. Last evaluated: 2024-06-23. Review status: criteria provided, single submitter. Criteria: Invitae Variant Classification Sherloc (09022015). Collection method: clinical testing. Allele origin: germline.
Comment: This sequence change replaces tyrosine, which is neutral and polar, with aspartic acid, which is acidic and polar, at codon 333 of the NF1 protein (p.Tyr333Asp). This variant is not present in population databases (gnomAD no frequency). This variant has not been reported in the literature in individuals affected with NF1-related conditions. Advanced modeling of protein sequence and biophysical properties (such as structural, functional, and spatial information, amino acid conservation, physicochemical variation, residue mobility, and thermodynamic stability) performed at Invitae indicates that this missense variant is expected to disrupt NF1 protein function with a positive predictive value of 95%. In summary, the available evidence is currently insufficient to determine the role of this variant in disease. Therefore, it has been classified as a Variant of Uncertain Significance.

NM_001042492.3(NF1):c.997T>G (p.Tyr333Asp)

Gene: NF1 (neurofibromin 1; plus strand). Cytogenetic location: 17q11.2.
Variant type: single nucleotide variant.
Coding change: c.997T>G on transcript NM_001042492.3 (MANE Select); coding-DNA position 997, T replaced by G.
Protein change: p.Tyr333Asp; replaces tyrosine 333 with aspartic acid.
Molecular consequence: missense variant.
Genome position (GRCh38, 1-based): chr17:31,200,530, T>G. VCF-style: chr17-31200530-T-G. GRCh37 (hg19) VCF-style: chr17-29527548-T-G.
Other names: c.997T>G, p.Tyr333Asp (NM_000267.4, NM_001128147.3); short protein forms Y333D.
Identifiers: ClinVar variation 3634493 (VCV003634493.2).
Genomic context (GRCh38, chr17:31,200,530, plus strand): 5'-AGTAGGCAGCTGACAGAAAGTGCTGCAATTGCCTGTGTCAAACTGTGTAAAGCAAGTACT[T>G]ACATCAATTGGGAAGATAACTCTGTCATTTTCCTACTTGTTCAGTCCATGGTGGTTGATC-3'
Protein context (NP_001035957.1, residues 323-343): ACVKLCKAST[Tyr333Asp]INWEDNSVIF